The following is an entry in ClinVar:

NM_001258392.3(CLPB):c.103C>T (p.Arg35Trp)

Genes: CLPB (ClpB family mitochondrial disaggregase; minus strand), LOC130006336 (ATAC-STARR-seq lymphoblastoid active region 5191; plus strand). Cytogenetic location: 11q13.4.
Variant type: single nucleotide variant.
Coding change: c.103C>T on transcript NM_001258392.3 (MANE Select); coding-DNA position 103, C replaced by T.
Protein change: p.Arg35Trp; replaces arginine 35 with tryptophan.
Molecular consequence: missense variant. On other transcripts: 5 prime UTR variant (1).
Genome position (GRCh38, 1-based): chr11:72,434,372, G>A on the plus strand (C>T on the coding strand, the complement: CLPB is on the minus strand). VCF-style: chr11-72434372-G-A. GRCh37 (hg19) VCF-style: chr11-72145416-G-A.
Other names: c.103C>T, p.Arg35Trp (NM_001258393.3, NM_030813.6); c.-140C>T (NM_001258394.3); short protein forms R35W.
Identifiers: ClinVar variation 4760403 (VCV004760403.1).

ClinVar aggregate classification (germline): Uncertain significance (1 of 4 stars; one submission).

Conditions:
3-methylglutaconic aciduria, type VIIB (MGCA7B). Also called: CLPB Deficiency; 3-methylglutaconic aciduria with cataracts, neurologic involvement and neutropenia; 3-methylglutaconic aciduria, type VII, with cataracts, neurologic involvement and neutropenia. Identifiers: Orphanet 445038, MedGen C5676893, MONDO:0014561, OMIM 616271.

gnomAD v4.1: 6 of 1,611,684 alleles (0.00037%); highest among the groups gnomAD compares: African/African-American, 0.0013%; no homozygotes.

Submission:

Labcorp Genetics (formerly Invitae), Labcorp
Classification: Uncertain significance for 3-methylglutaconic aciduria, type VIIB. Last evaluated: 2025-12-08. Review status: criteria provided, single submitter. Criteria: Invitae Variant Classification Sherloc (09022015). Collection method: clinical testing. Allele origin: germline.
Comment: This sequence change replaces arginine, which is basic and polar, with tryptophan, which is neutral and slightly polar, at codon 35 of the CLPB protein (p.Arg35Trp). This variant is not present in population databases (gnomAD no frequency). This variant has not been reported in the literature in individuals affected with CLPB-related conditions. An algorithm developed to predict the effect of missense changes on protein structure and function outputs the following: PolyPhen-2: "Benign". The tryptophan amino acid residue is found in multiple mammalian species, which suggests that this missense change does not adversely affect protein function. In summary, the available evidence is currently insufficient to determine the role of this variant in disease. Therefore, it has been classified as a Variant of Uncertain Significance.